The following is an entry in ClinVar:

NM_138393.4(REEP6):c.210-3C>T

Gene: REEP6 (receptor accessory protein 6; plus strand). Cytogenetic location: 19p13.3.
Variant type: single nucleotide variant.
Coding change: c.210-3C>T on transcript NM_138393.4 (MANE Select); 3 bases into the intron before coding-DNA position 210, C replaced by T.
Molecular consequence: intron variant.
Genome position (GRCh38, 1-based): chr19:1,495,466, C>T. VCF-style: chr19-1495466-C-T. GRCh37 (hg19) VCF-style: chr19-1495465-C-T.
Other names: c.210-3C>T (NM_001329556.3).
Identifiers: ClinVar variation 1937086 (VCV001937086.4), dbSNP rs765376483, ClinGen allele CA9047453.

ClinVar aggregate classification (germline): Uncertain significance (1 of 4 stars; one submission).

Allele frequency attached by ClinVar (database versions not stated): TOPMed 0.00001; ExAC 0.00002; gnomAD 0.00002; gnomAD exomes 0.00003.
gnomAD v4.1: 42 of 1,613,916 alleles (0.0026%); highest among the groups gnomAD compares: Middle Eastern, 0.05%; no homozygotes.

Submission:

Labcorp Genetics (formerly Invitae), Labcorp
Classification: Uncertain significance. Last evaluated: 2024-02-16. Review status: criteria provided, single submitter. Criteria: Invitae Variant Classification Sherloc (09022015). Collection method: clinical testing. Allele origin: germline.
Comment: This sequence change falls in intron 2 of the REEP6 gene. It does not directly change the encoded amino acid sequence of the REEP6 protein. It affects a nucleotide within the consensus splice site. This variant is present in population databases (rs765376483, gnomAD 0.005%). This variant has not been reported in the literature in individuals affected with REEP6-related conditions. ClinVar contains an entry for this variant (Variation ID: 1937086). Variants that disrupt the consensus splice site are a relatively common cause of aberrant splicing (PMID: 17576681, 9536098). Algorithms developed to predict the effect of sequence changes on RNA splicing suggest that this variant is not likely to affect RNA splicing. In summary, the available evidence is currently insufficient to determine the role of this variant in disease. Therefore, it has been classified as a Variant of Uncertain Significance.

Literature cited by the submitters: PubMed 17576681; PubMed 9536098.